The following is an entry in ClinVar:

ClinVar aggregate classification (germline): Likely benign. Review status: criteria provided, multiple submitters, no conflicts (2 of 4 stars). 9 submissions from 9 submitters: Likely benign (7). 2 of the submissions do not count toward it. Last evaluated 2026-01-28.

Conditions:
MYPN-related disorder. Also called: MYPN-related condition.
Cardiovascular phenotype. Identifiers: MedGen CN230736.
Dilated cardiomyopathy 1KK (CMD1KK). Identifiers: Orphanet 154, Orphanet 75249, MedGen C3714995, MONDO:0014100, OMIM 615248.

Allele frequency attached by ClinVar (database versions not stated): gnomAD 0.00076; TOPMed 0.00080; 1000 Genomes Project 30x 0.00109; ESP Exome Variant Server 0.00123; 1000 Genomes Project 0.00140.
gnomAD v4.1: 323 of 1,614,146 alleles (0.02%); highest among the groups gnomAD compares: African/African-American, 0.2%; no homozygotes.

Submissions (9):

Labcorp Genetics (formerly Invitae), Labcorp
Classification: Likely benign for Dilated cardiomyopathy 1KK. Last evaluated: 2026-01-28. Review status: criteria provided, single submitter. Criteria: Invitae Variant Classification Sherloc (09022015). Collection method: clinical testing. Allele origin: germline.

Women's Health and Genetics/Laboratory Corporation of America, LabCorp
Classification: Likely benign. Last evaluated: 2025-07-14. Review status: criteria provided, single submitter. Criteria: LabCorp Variant Classification Summary - May 2015. Collection method: clinical testing. Allele origin: germline.
Comment: Variant summary: MYPN c.2228C>T (p.Pro743Leu) results in a non-conservative amino acid change in the encoded protein sequence. Algorithms developed to predict the effect of missense changes on protein structure and function are either unavailable or do not agree on the potential impact of this missense change. The variant allele was found at a frequency of 0.00019 in 251300 control chromosomes, predominantly at a frequency of 0.002 within the African or African-American subpopulation in the gnomAD database. The observed variant frequency within African or African-American control individuals in the gnomAD database is approximately 4 fold of the estimated maximal expected allele frequency for a pathogenic variant in MYPN causing MYPN-Related Myopathy phenotype (0.0005). c.2228C>T has been observed in individuals affected with cardiomyopathy, without strong evidence for causality (e.g. Burstein_2021, Ware_2021). These reports do not provide unequivocal conclusions about association of the variant with MYPN-Related Myopathy or cardiomyopathy. To our knowledge, no experimental evidence demonstrating an impact on protein function has been reported. The following publications have been ascertained in the context of this evaluation (PMID: 32746448, 33906374). ClinVar contains an entry for this variant (Variation ID: 201895). Based on the evidence outlined above, the variant was classified as likely benign.

PreventionGenetics, part of Exact Sciences
Classification: Likely benign for MYPN-related condition. Last evaluated: 2025-03-31. Review status: criteria provided, single submitter. Criteria: ACMG Guidelines, 2015. Collection method: clinical testing. Allele origin: germline.
Comment: This variant is classified as likely benign based on ACMG/AMP sequence variant interpretation guidelines (Richards et al. 2015 PMID: 25741868, with internal and published modifications).

GeneDx
Classification: Likely benign. Last evaluated: 2021-10-11. Review status: criteria provided, single submitter. Criteria: GeneDx Variant Classification Process June 2021. Collection method: clinical testing. Allele origin: germline. Affected: yes.

ARUP Laboratories, Molecular Genetics and Genomics, ARUP Laboratories
Classification: Likely benign. Last evaluated: 2020-12-14. Review status: criteria provided, single submitter. Criteria: ARUP Molecular Germline Variant Investigation Process 2021. Collection method: clinical testing. Allele origin: germline.

Ambry Genetics
Classification: Likely benign for Cardiovascular phenotype. Last evaluated: 2018-12-14. Review status: criteria provided, single submitter. Criteria: Ambry Variant Classification Scheme 2023. Collection method: clinical testing. Allele origin: germline.

Laboratory for Molecular Medicine, Mass General Brigham Personalized Medicine
Classification: Likely benign. Last evaluated: 2014-11-24. Review status: criteria provided, single submitter. Criteria: LMM Criteria. Collection method: clinical testing. Allele origin: germline. Observed: 1 variant allele.
Comment: p.Pro743Leu in exon 12 of MYPN: This variant is not expected to have clinical si gnificance because it has been identified in 0.2% (23/10406) of African chromoso mes by the Exome Aggregation Consortium (ExAC; d bSNP rs138583865).

Clinical Genetics, Academic Medical Center
Classification: Likely benign. Review status: no assertion criteria provided. Collection method: clinical testing. Allele origin: germline. Affected: yes. Study: VKGL Data-share Consensus. Not counted in ClinVar's aggregate classification.

Joint Genome Diagnostic Labs from Nijmegen and Maastricht, Radboudumc and MUMC+
Classification: Likely benign. Review status: no assertion criteria provided. Collection method: clinical testing. Allele origin: germline. Affected: yes. Study: VKGL Data-share Consensus. Not counted in ClinVar's aggregate classification.

Literature cited by the submitters: PubMed 32746448 (cited by Women's Health and Genetics/Laboratory Corporation of America, LabCorp); PubMed 33906374 (cited by Women's Health and Genetics/Laboratory Corporation of America, LabCorp).

NM_032578.4(MYPN):c.2228C>T (p.Pro743Leu)

Gene: MYPN (myopalladin; plus strand). Cytogenetic location: 10q21.3.
Variant type: single nucleotide variant.
Coding change: c.2228C>T on transcript NM_032578.4 (MANE Select); coding-DNA position 2228, C replaced by T.
Protein change: p.Pro743Leu; replaces proline 743 with leucine.
Molecular consequence: missense variant. On other transcripts: non-coding transcript variant (2).
Genome position (GRCh38, 1-based): chr10:68,174,320, C>T. VCF-style: chr10-68174320-C-T. GRCh37 (hg19) VCF-style: chr10-69934077-C-T.
Other names: p.P743L:CCG>CTG; c.2228C>T, p.Pro743Leu (NM_001256267.2); c.1346C>T, p.Pro449Leu (NM_001256268.2); short protein forms P743L, P449L.
Identifiers: ClinVar variation 201895 (VCV000201895.31), dbSNP rs138583865, ClinGen allele CA335334.